The following is an entry in ClinVar:

ClinVar aggregate classification (germline): Uncertain significance. Review status: criteria provided, single submitter (1 of 4 stars). 2 submissions from 2 submitters: Uncertain significance (1). 1 of the submissions does not count toward it. Last evaluated 2025-08-04.

Conditions:
KLHL1-related disorder. Also called: KLHL1-related condition.

Allele frequency attached by ClinVar (database versions not stated): ExAC 0.00077; gnomAD 0.00230; TOPMed 0.00250; ESP Exome Variant Server 0.00277; 1000 Genomes Project 30x 0.00297; 1000 Genomes Project 0.00319.
gnomAD v4.1: 707 of 1,612,850 alleles (0.044%); highest among the groups gnomAD compares: African/African-American, 0.8%; 2 homozygotes.

Submissions (2):

Ambry Genetics
Classification: Uncertain significance. Last evaluated: 2025-08-04. Review status: criteria provided, single submitter. Criteria: Ambry Variant Classification Scheme 2023. Collection method: clinical testing. Allele origin: germline.

PreventionGenetics, part of Exact Sciences
Classification: Benign for KLHL1-related condition. Last evaluated: 2020-08-28. Review status: no assertion criteria provided. Collection method: clinical testing. Allele origin: germline. Not counted in ClinVar's aggregate classification.
Comment: This variant is classified as benign based on ACMG/AMP sequence variant interpretation guidelines (Richards et al. 2015 PMID: 25741868, with internal and published modifications).

NM_020866.3(KLHL1):c.183G>C (p.Glu61Asp)

Genes: ATXN8OS (ATXN8 opposite strand lncRNA; plus strand), KLHL1 (kelch like family member 1; minus strand). Cytogenetic location: 13q21.33.
Variant type: single nucleotide variant.
Coding change: c.183G>C on transcript NM_020866.3 (MANE Select); coding-DNA position 183, G replaced by C.
Protein change: p.Glu61Asp; replaces glutamic acid 61 with aspartic acid.
Molecular consequence: missense variant. On other transcripts: non-coding transcript variant (2).
Genome position (GRCh38, 1-based): chr13:70,107,517, C>G on the plus strand (G>C on the coding strand, the complement: KLHL1 is on the minus strand). VCF-style: chr13-70107517-C-G. GRCh37 (hg19) VCF-style: chr13-70681649-C-G.
Other names: c.183G>C, p.Glu61Asp (NM_001286725.2); short protein forms E61D.
Identifiers: ClinVar variation 3039641 (VCV003039641.3), dbSNP rs111324959, ClinGen allele CA6999568.
Genomic context (GRCh38, chr13:70,107,517, plus strand): 5'-GGAGGACGATGAAGAGGAAGAGGAGGAAGGCTTCTTCCAGAAAGTGCTCACACCGCTTCT[C>G]TCTTGGCTTTTGAGCAGGCGACTCTGGCTGGGTCCCCAGTGCTCAAAGCTGCCACTGCCG-3'
Protein context (NP_065917.1, residues 51-71): PSQSRLLKSQ[Glu61Asp]RSGVSTFWKK